The following is an entry in ClinVar:

ClinVar aggregate classification (germline): Likely pathogenic. Review status: criteria provided, multiple submitters, no conflicts (2 of 4 stars). 2 submissions from 2 submitters: Likely pathogenic (2). Last evaluated 2024-02-25.

Conditions:
Familial hypokalemia-hypomagnesemia (GTLMNS). Also called: HYPOMAGNESEMIA-HYPOKALEMIA, PRIMARY RENOTUBULAR, WITH HYPOCALCIURIA; POTASSIUM AND MAGNESIUM DEPLETION; gitelman syndrome. Identifiers: Orphanet 358, MedGen C0268450, MONDO:0009904, OMIM 263800.

Submissions (2):

Fulgent Genetics
Classification: Likely pathogenic for Familial hypokalemia-hypomagnesemia. Last evaluated: 2024-02-25. Review status: criteria provided, single submitter. Criteria: ACMG Guidelines, 2015. Collection method: clinical testing. Allele origin: germline.

Labcorp Genetics (formerly Invitae), Labcorp
Classification: Likely pathogenic. Last evaluated: 2022-11-06. Review status: criteria provided, single submitter. Criteria: Invitae Variant Classification Sherloc (09022015). Collection method: clinical testing. Allele origin: germline.
Comment: This sequence change replaces arginine, which is basic and polar, with proline, which is neutral and non-polar, at codon 964 of the SLC12A3 protein (p.Arg964Pro). In summary, the currently available evidence indicates that the variant is pathogenic, but additional data are needed to prove that conclusively. Therefore, this variant has been classified as Likely Pathogenic. This variant disrupts the p.Arg964 amino acid residue in SLC12A3. Other variant(s) that disrupt this residue have been determined to be pathogenic (PMID: 8528245, 17654016, 21415153, 22214629, 30596175). This suggests that this residue is clinically significant, and that variants that disrupt this residue are likely to be disease-causing. Advanced modeling of protein sequence and biophysical properties (such as structural, functional, and spatial information, amino acid conservation, physicochemical variation, residue mobility, and thermodynamic stability) performed at Invitae indicates that this missense variant is expected to disrupt SLC12A3 protein function. This variant has not been reported in the literature in individuals affected with SLC12A3-related conditions. This variant is not present in population databases (gnomAD no frequency).

Literature cited by the submitters: PubMed 8528245 (cited by Labcorp Genetics (formerly Invitae), Labcorp); PubMed 17654016 (cited by Labcorp Genetics (formerly Invitae), Labcorp); PubMed 21415153 (cited by Labcorp Genetics (formerly Invitae), Labcorp); PubMed 22214629 (cited by Labcorp Genetics (formerly Invitae), Labcorp); PubMed 30596175 (cited by Labcorp Genetics (formerly Invitae), Labcorp).

NM_001126108.2(SLC12A3):c.2864G>C (p.Arg955Pro)

Gene: SLC12A3 (solute carrier family 12 member 3; plus strand). Cytogenetic location: 16q13.
Variant type: single nucleotide variant.
Coding change: c.2864G>C on transcript NM_001126108.2 (MANE Select); coding-DNA position 2864, G replaced by C.
Protein change: p.Arg955Pro; replaces arginine 955 with proline.
Molecular consequence: missense variant.
Genome position (GRCh38, 1-based): chr16:56,904,402, G>C. VCF-style: chr16-56904402-G-C. GRCh37 (hg19) VCF-style: chr16-56938314-G-C.
Other names: c.2891G>C, p.Arg964Pro (NM_000339.3); c.2888G>C, p.Arg963Pro (NM_001126107.2); c.2861G>C, p.Arg954Pro (NM_001410896.1); short protein forms R955P, R954P, R963P, R964P.
Identifiers: ClinVar variation 2806284 (VCV002806284.4), dbSNP rs202114767, ClinGen allele CA396002234.
Genomic context (GRCh38, chr16:56,904,402, plus strand): 5'-ATTGAGTGACCTCGATGATATGGGAAGTGACCACTCGGCTTTCTCCCGCCCAGTCCCTTC[G>C]GCAGGTGAGGCTGAATGAGATTGTGCTGGATTACTCCCGAGACGCTGCTCTCATCGTCAT-3'
Protein context (NP_001119580.2, residues 945-965): EITKNRVKSL[Arg955Pro]QVRLNEIVLD